The following is an entry in ClinVar:

ClinVar aggregate classification (germline): Uncertain significance (1 of 4 stars; one submission).

Submission:

Labcorp Genetics (formerly Invitae), Labcorp
Classification: Uncertain significance. Last evaluated: 2024-01-16. Review status: criteria provided, single submitter. Criteria: Invitae Variant Classification Sherloc (09022015). Collection method: clinical testing. Allele origin: germline.
Comment: This sequence change replaces leucine, which is neutral and non-polar, with proline, which is neutral and non-polar, at codon 198 of the APOA5 protein (p.Leu198Pro). This variant is present in population databases (no rsID available, gnomAD 0.0009%). This variant has not been reported in the literature in individuals affected with APOA5-related conditions. An algorithm developed to predict the effect of missense changes on protein structure and function (PolyPhen-2) suggests that this variant is likely to be disruptive. In summary, the available evidence is currently insufficient to determine the role of this variant in disease. Therefore, it has been classified as a Variant of Uncertain Significance.

NM_001371904.1(APOA5):c.593T>C (p.Leu198Pro)

Gene: APOA5 (apolipoprotein A5; minus strand). Cytogenetic location: 11q23.3.
Variant type: single nucleotide variant.
Coding change: c.593T>C on transcript NM_001371904.1 (MANE Select); coding-DNA position 593, T replaced by C.
Protein change: p.Leu198Pro; replaces leucine 198 with proline.
Molecular consequence: missense variant.
Genome position (GRCh38, 1-based): chr11:116,790,636, A>G on the plus strand (T>C on the coding strand, the complement: APOA5 is on the minus strand). VCF-style: chr11-116790636-A-G. GRCh37 (hg19) VCF-style: chr11-116661352-A-G.
Other names: c.593T>C, p.Leu198Pro (NM_001166598.2, NM_052968.5); short protein forms L198P.
Identifiers: ClinVar variation 2709662 (VCV002709662.3), dbSNP rs1430443082, ClinGen allele CA382737920.